The following is an entry in ClinVar:

NM_001267550.2(TTN):c.22312C>T (p.Leu7438Phe)

Gene: TTN (titin; minus strand). Cytogenetic location: 2q31.2.
Variant type: single nucleotide variant.
Coding change: c.22312C>T on transcript NM_001267550.2 (MANE Select); coding-DNA position 22312, C replaced by T.
Protein change: p.Leu7438Phe; replaces leucine 7438 with phenylalanine.
Molecular consequence: missense variant. On other transcripts: intron variant (3).
Genome position (GRCh38, 1-based): chr2:178,722,475, G>A on the plus strand (C>T on the coding strand, the complement: TTN is on the minus strand). VCF-style: chr2-178722475-G-A. GRCh37 (hg19) VCF-style: chr2-179587202-G-A.
Other names: p.L7121F:CTC>TTC; c.21361C>T, p.Leu7121Phe (NM_001256850.1); c.18580C>T, p.Leu6194Phe (NM_133378.4); c.13282+15607C>T (NM_003319.4); c.13858+15607C>T (NM_133437.4); c.13657+15607C>T (NM_133432.3); short protein forms L7121F, L7438F, L6194F.
Identifiers: ClinVar variation 203311 (VCV000203311.9), dbSNP rs371114946, ClinGen allele CA312001.

ClinVar aggregate classification (germline): Conflicting classifications of pathogenicity. Review status: criteria provided, conflicting classifications (1 of 4 stars). 4 submissions from 4 submitters: Uncertain significance (2); Likely benign (2). Last evaluated 2026-03-27.

Conditions:
TTN-related disorder. Also called: TTN-related condition; TTN-related disease; TTN-related disorders.

Allele frequency attached by ClinVar (database versions not stated): gnomAD exomes below 0.00001 and 0.00002; ExAC 0.00002; gnomAD 0.00007 and 0.00009; ESP Exome Variant Server 0.00008; TOPMed 0.00009.
gnomAD v4.1: 12 of 1,613,344 alleles (0.00074%); highest among the groups gnomAD compares: African/African-American, 0.016%; no homozygotes.

Submissions (4):

Molecular Diagnostic Laboratory for Inherited Cardiovascular Disease, Montreal Heart Institute
Classification: Likely benign. Last evaluated: 2026-03-27. Review status: criteria provided, single submitter. Criteria: ACMG Guidelines, 2015. Collection method: clinical testing. Allele origin: germline. Affected: no.
Comment: BP1

PreventionGenetics, part of Exact Sciences
Classification: Uncertain significance for TTN-related condition. Last evaluated: 2025-02-27. Review status: criteria provided, single submitter. Criteria: ACMG Guidelines, 2015. Collection method: clinical testing. Allele origin: germline.
Comment: The TTN c.22312C>T variant is predicted to result in the amino acid substitution p.Leu7438Phe. To our knowledge, this variant has not been reported in the literature. This variant is reported in 0.029% of alleles in individuals of African descent in gnomAD. At this time, the clinical significance of this variant is uncertain due to the absence of conclusive functional and genetic evidence.

Revvity Omics, Revvity
Classification: Uncertain significance. Last evaluated: 2022-12-21. Review status: criteria provided, single submitter. Criteria: ACMG Guidelines, 2015. Collection method: clinical testing. Allele origin: germline.

GeneDx
Classification: Likely benign. Last evaluated: 2021-05-17. Review status: criteria provided, single submitter. Criteria: GeneDx Variant Classification Process June 2021. Collection method: clinical testing. Allele origin: germline. Affected: yes.